The following is an entry in ClinVar:

ClinVar aggregate classification (germline): Uncertain significance (1 of 4 stars; one submission).

Allele frequency attached by ClinVar (database versions not stated): gnomAD exomes 0.00001.
gnomAD v4.1: 8 of 1,613,622 alleles (0.0005%); highest among the groups gnomAD compares: Non-Finnish European, 0.00068%; no homozygotes.

Submission:

Labcorp Genetics (formerly Invitae), Labcorp
Classification: Uncertain significance. Last evaluated: 2021-11-06. Review status: criteria provided, single submitter. Criteria: Invitae Variant Classification Sherloc (09022015). Collection method: clinical testing. Allele origin: germline.
Comment: This sequence change replaces isoleucine, which is neutral and non-polar, with valine, which is neutral and non-polar, at codon 97 of the FLNB protein (p.Ile97Val). This variant is not present in population databases (gnomAD no frequency). This variant has not been reported in the literature in individuals affected with FLNB-related conditions. Advanced modeling of protein sequence and biophysical properties (such as structural, functional, and spatial information, amino acid conservation, physicochemical variation, residue mobility, and thermodynamic stability) performed at Invitae indicates that this missense variant is not expected to disrupt FLNB protein function. In summary, the available evidence is currently insufficient to determine the role of this variant in disease. Therefore, it has been classified as a Variant of Uncertain Significance.

NM_001457.4(FLNB):c.289A>G (p.Ile97Val)

Gene: FLNB (filamin B; plus strand). Cytogenetic location: 3p14.3.
Variant type: single nucleotide variant.
Coding change: c.289A>G on transcript NM_001457.4 (MANE Select); coding-DNA position 289, A replaced by G.
Protein change: p.Ile97Val; replaces isoleucine 97 with valine.
Molecular consequence: missense variant.
Genome position (GRCh38, 1-based): chr3:58,008,853, A>G. VCF-style: chr3-58008853-A-G. GRCh37 (hg19) VCF-style: chr3-57994580-A-G.
Other names: c.289A>G, p.Ile97Val (NM_001164317.2, NM_001164318.2, NM_001164319.2); short protein forms I97V.
Identifiers: ClinVar variation 1349793 (VCV001349793.6), dbSNP rs2106655742, ClinGen allele CA353413404.